The following is an entry in ClinVar:

ClinVar aggregate classification (germline): Conflicting classifications of pathogenicity. Review status: criteria provided, conflicting classifications (1 of 4 stars). 2 submissions from 2 submitters: Uncertain significance (1); Likely benign (1). Last evaluated 2023-03-23.

Conditions:
Hereditary cancer-predisposing syndrome. Also called: Neoplastic Syndromes, Hereditary; Tumor predisposition; Hereditary Cancer Syndrome; Hereditary neoplastic syndrome. Identifiers: Orphanet 140162, MedGen C0027672, MeSH D009386, MONDO:0015356.

Submissions (2):

University of Washington Department of Laboratory Medicine, University of Washington
Classification: Likely benign for Hereditary cancer-predisposing syndrome. Last evaluated: 2023-03-23. Review status: criteria provided, single submitter. Criteria: Dines et al. (Genet Med. 2020). Collection method: curation. Allele origin: germline.
Comment: Missense variant in a coldspot region where missense variants are very unlikely to be pathogenic (PMID:31911673).

BRCA2 exon 11 coldspot. Reclassification based on statistical prior probability.

Ambry Genetics
Classification: Uncertain significance for Hereditary cancer-predisposing syndrome. Last evaluated: 2021-12-11. Review status: criteria provided, single submitter. Criteria: Ambry Variant Classification Scheme 2023. Collection method: clinical testing. Allele origin: germline.
Comment: The p.S1093Y variant (also known as c.3278C>A), located in coding exon 10 of the BRCA2 gene, results from a C to A substitution at nucleotide position 3278. The serine at codon 1093 is replaced by tyrosine, an amino acid with dissimilar properties. This amino acid position is conserved. In addition, this alteration is predicted to be tolerated by in silico analysis. Since supporting evidence is limited at this time, the clinical significance of this alteration remains unclear.

NM_000059.4(BRCA2):c.3278C>A (p.Ser1093Tyr)

Gene: BRCA2 (BRCA2 DNA repair associated; plus strand). Cytogenetic location: 13q13.1.
Variant type: single nucleotide variant.
Coding change: c.3278C>A on transcript NM_000059.4 (MANE Select); coding-DNA position 3278, C replaced by A.
Protein change: p.Ser1093Tyr; replaces serine 1093 with tyrosine.
Molecular consequence: missense variant.
Genome position (GRCh38, 1-based): chr13:32,337,633, C>A. VCF-style: chr13-32337633-C-A. GRCh37 (hg19) VCF-style: chr13-32911770-C-A.
Other names: c.3278C>A, p.Ser1093Tyr (NM_001406719.1, NM_001406720.1); short protein forms S1093Y.
Identifiers: ClinVar variation 1729680 (VCV001729680.4), dbSNP rs2137495034, ClinGen allele CA387776081.